The following is an entry in ClinVar:

ClinVar aggregate classification (germline): Uncertain significance. Review status: criteria provided, multiple submitters, no conflicts (2 of 4 stars). 2 submissions from 2 submitters: Uncertain significance (2). Last evaluated 2024-07-23.

Conditions:
Combined immunodeficiency due to LRBA deficiency. Also called: Common variable immunodeficiency 8, with autoimmunity. Identifiers: Orphanet 445018, MedGen C3553512, MONDO:0013863, OMIM 614700.

Allele frequency attached by ClinVar (database versions not stated): TOPMed 0.00002; ESP Exome Variant Server 0.00008.
gnomAD v4.1: 32 of 1,606,168 alleles (0.002%); highest among the groups gnomAD compares: Non-Finnish European, 0.0026%; no homozygotes.

Submissions (2):

Blueprint Genetics
Classification: Uncertain significance. Last evaluated: 2024-07-23. Review status: criteria provided, single submitter. Criteria: ACMG Guidelines, 2015. Collection method: clinical testing. Allele origin: germline.

Labcorp Genetics (formerly Invitae), Labcorp
Classification: Uncertain significance for Combined immunodeficiency due to LRBA deficiency. Last evaluated: 2022-08-23. Review status: criteria provided, single submitter. Criteria: Invitae Variant Classification Sherloc (09022015). Collection method: clinical testing. Allele origin: germline.
Comment: This sequence change replaces glycine, which is neutral and non-polar, with glutamic acid, which is acidic and polar, at codon 75 of the LRBA protein (p.Gly75Glu). The frequency data for this variant in the population databases is considered unreliable, as metrics indicate poor data quality at this position in the gnomAD database. This variant has not been reported in the literature in individuals affected with LRBA-related conditions. ClinVar contains an entry for this variant (Variation ID: 846769). Algorithms developed to predict the effect of missense changes on protein structure and function are either unavailable or do not agree on the potential impact of this missense change (SIFT: "Tolerated"; PolyPhen-2: "Probably Damaging"; Align-GVGD: "Class C0"). In summary, the available evidence is currently insufficient to determine the role of this variant in disease. Therefore, it has been classified as a Variant of Uncertain Significance.

NM_001364905.1(LRBA):c.224G>A (p.Gly75Glu)

Gene: LRBA (LPS responsive beige-like anchor protein; minus strand). Cytogenetic location: 4q31.3.
Variant type: single nucleotide variant.
Coding change: c.224G>A on transcript NM_001364905.1 (MANE Select); coding-DNA position 224, G replaced by A.
Protein change: p.Gly75Glu; replaces glycine 75 with glutamic acid.
Molecular consequence: missense variant.
Genome position (GRCh38, 1-based): chr4:150,929,058, C>T on the plus strand (G>A on the coding strand, the complement: LRBA is on the minus strand). VCF-style: chr4-150929058-C-T. GRCh37 (hg19) VCF-style: chr4-151850210-C-T.
Other names: c.224G>A, p.Gly75Glu (NM_001199282.3, NM_001367550.1, NM_006726.5); short protein forms G75E.
Identifiers: ClinVar variation 846769 (VCV000846769.7), dbSNP rs370110788, ClinGen allele CA3103919.
Genomic context (GRCh38, chr4:150,929,058, plus strand): 5'-ATGCAGTTAATACTCTCACCTTCTTGGATAATGAAATTCATTTCCAGATCAAACTGTCCT[C>T]CTACCAACTTACAAGGAAAAAAAAAAAACACATTAAAAGCATTAGTATCCTCAATATCAC-3'
Protein context (NP_001351834.1, residues 65-85): IVETVFNLLV[Gly75Glu]GQFDLEMNFI